The following is an entry in ClinVar:

NM_001367624.2(ZNF469):c.3055C>T (p.Pro1019Ser)

Gene: ZNF469 (zinc finger protein 469; plus strand). Cytogenetic location: 16q24.2.
Variant type: single nucleotide variant.
Coding change: c.3055C>T on transcript NM_001367624.2 (MANE Select); coding-DNA position 3055, C replaced by T.
Protein change: p.Pro1019Ser; replaces proline 1019 with serine.
Molecular consequence: missense variant.
Genome position (GRCh38, 1-based): chr16:88,430,525, C>T. VCF-style: chr16-88430525-C-T. GRCh37 (hg19) VCF-style: chr16-88496933-C-T.
Other names: NM_001127464.1:c.3055C>T; short protein forms P1019S.
Identifiers: ClinVar variation 444383 (VCV000444383.46), dbSNP rs937180195, ClinGen allele CA286374385.

ClinVar aggregate classification (germline): Uncertain significance. Review status: criteria provided, multiple submitters, no conflicts (2 of 4 stars). 3 submissions from 3 submitters: Uncertain significance (3). Last evaluated 2024-12-03.

Conditions:
Cardiovascular phenotype. Identifiers: MedGen CN230736.

Allele frequency attached by ClinVar (database versions not stated): gnomAD 0.00001; gnomAD exomes 0.00001; TOPMed 0.00003.
gnomAD v4.1: 18 of 1,455,852 alleles (0.0012%); highest among the groups gnomAD compares: African/African-American, 0.0045%; no homozygotes.

Submissions (3):

Women's Health and Genetics/Laboratory Corporation of America, LabCorp
Classification: Uncertain significance. Last evaluated: 2024-12-03. Review status: criteria provided, single submitter. Criteria: LabCorp Variant Classification Summary - May 2015. Collection method: clinical testing. Allele origin: germline.
Comment: Variant summary: ZNF469 c.3055C>T (p.Pro1019Ser) results in a non-conservative amino acid change in the encoded protein sequence. Two of four in-silico tools predict a benign effect of the variant on protein function. The variant allele was found at a frequency of 1.5e-05 in 68806 control chromosomes. The available data on variant occurrences in the general population are insufficient to allow any conclusion about variant significance. To our knowledge, no occurrence of c.3055C>T in individuals affected with Brittle cornea syndrome 1 and no experimental evidence demonstrating its impact on protein function have been reported. ClinVar contains an entry for this variant (Variation ID: 444383). Based on the evidence outlined above, the variant was classified as uncertain significance.

Ambry Genetics
Classification: Uncertain significance for Cardiovascular phenotype. Last evaluated: 2023-05-15. Review status: criteria provided, single submitter. Criteria: Ambry Variant Classification Scheme 2023. Collection method: clinical testing. Allele origin: germline.
Comment: The p.P1019S variant (also known as c.3055C>T), located in coding exon 1 of the ZNF469 gene, results from a C to T substitution at nucleotide position 3055. The proline at codon 1019 is replaced by serine, an amino acid with similar properties. This amino acid position is conserved. In addition, this alteration is predicted to be tolerated by in silico analysis. Since supporting evidence is limited at this time, the clinical significance of this alteration remains unclear.

CeGaT Center for Human Genetics Tuebingen
Classification: Uncertain significance. Last evaluated: 2020-11-01. Review status: criteria provided, single submitter. Criteria: CeGaT Center For Human Genetics Tuebingen Variant Classification Criteria Version 2. Collection method: clinical testing. Allele origin: germline. Affected: yes. Observed: 1 variant allele.